The following is an entry in ClinVar:

NM_001164508.2(NEB):c.9398A>G (p.Tyr3133Cys)

Gene: NEB (nebulin; minus strand). Cytogenetic location: 2q23.3.
Variant type: single nucleotide variant.
Coding change: c.9398A>G on transcript NM_001164508.2 (MANE Select); coding-DNA position 9398, A replaced by G.
Protein change: p.Tyr3133Cys; replaces tyrosine 3133 with cysteine.
Molecular consequence: missense variant. On other transcripts: intron variant (1).
Genome position (GRCh38, 1-based): chr2:151,633,670, T>C on the plus strand (A>G on the coding strand, the complement: NEB is on the minus strand). VCF-style: chr2-151633670-T-C. GRCh37 (hg19) VCF-style: chr2-152490184-T-C.
Other names: c.9398A>G, p.Tyr3133Cys (NM_001164507.2, NM_001271208.2); c.8854-2492A>G (NM_004543.5); short protein forms Y3133C.
Identifiers: ClinVar variation 2084104 (VCV002084104.1), dbSNP rs767655082, ClinGen allele CA1909334.

ClinVar aggregate classification (germline): Uncertain significance (1 of 4 stars; one submission).

Conditions:
Nemaline myopathy 2 (NEM2). Also called: Nemaline myopathy 2, autosomal recessive. Identifiers: MedGen C1850569, MONDO:0009725, OMIM 256030.

Allele frequency attached by ClinVar (database versions not stated): gnomAD 0.00001; gnomAD exomes 0.00001; ExAC 0.00003; TOPMed 0.00004.
gnomAD v4.1: 18 of 1,612,866 alleles (0.0011%); highest among the groups gnomAD compares: Admixed American, 0.012%; no homozygotes.

Submission:

Labcorp Genetics (formerly Invitae), Labcorp
Classification: Uncertain significance for Nemaline myopathy 2. Last evaluated: 2022-07-25. Review status: criteria provided, single submitter. Criteria: Invitae Variant Classification Sherloc (09022015). Collection method: clinical testing. Allele origin: germline.
Comment: This sequence change replaces tyrosine, which is neutral and polar, with cysteine, which is neutral and slightly polar, at codon 3133 of the NEB protein (p.Tyr3133Cys). This variant is present in population databases (rs767655082, gnomAD 0.02%). This variant has not been reported in the literature in individuals affected with NEB-related conditions. Algorithms developed to predict the effect of missense changes on protein structure and function are either unavailable or do not agree on the potential impact of this missense change (SIFT: "Deleterious"; PolyPhen-2: "Not Available"; Align-GVGD: "Class C0"). In summary, the available evidence is currently insufficient to determine the role of this variant in disease. Therefore, it has been classified as a Variant of Uncertain Significance.